The following is an entry in ClinVar:

NM_138576.4(BCL11B):c.2145C>T (p.Tyr715=)

Gene: BCL11B (BCL11 transcription factor B; minus strand). Cytogenetic location: 14q32.2.
Variant type: single nucleotide variant.
Coding change: c.2145C>T on transcript NM_138576.4 (MANE Select); coding-DNA position 2145, C replaced by T.
Protein change: p.Tyr715=; no amino-acid change (tyrosine 715 retained).
Molecular consequence: synonymous variant.
Genome position (GRCh38, 1-based): chr14:99,174,691, G>A on the plus strand (C>T on the coding strand, the complement: BCL11B is on the minus strand). VCF-style: chr14-99174691-G-A. GRCh37 (hg19) VCF-style: chr14-99641028-G-A.
Other names: c.2142C>T, p.Tyr714= (NM_001282237.2); c.1929C>T, p.Tyr643= (NM_001282238.2); c.1932C>T, p.Tyr644= (NM_022898.3); c.1932C>T (NM_022898.2).
Identifiers: ClinVar variation 2052139 (VCV002052139.6), dbSNP rs371673923, ClinGen allele CA7339529.
Genomic context (GRCh38, chr14:99,174,691, plus strand): 5'-CGACTGTCGTGCGTCCGTGAAGCCCAGGAAGGGGTCCTTCATGAAGTGCCGCGACGCCGC[G>A]TAGCCCACCAGCCACTGCGAGTACACGTTCTCGGACGGGATGAGCGCGGCGGGCGGCAGC-3'
Protein context (NP_612808.1, residues 705-725): ENVYSQWLVG[Tyr715=]AASRHFMKDP

ClinVar aggregate classification (germline): Likely benign. Review status: criteria provided, single submitter (1 of 4 stars). 2 submissions from 2 submitters: Likely benign (1). 1 of the submissions does not count toward it. Last evaluated 2024-08-28.

Conditions:
BCL11B-related disorder. Also called: BCL11B-Related Disorders.

Allele frequency attached by ClinVar (database versions not stated): TOPMed 0.00004; ExAC 0.00001; gnomAD exomes 0.00007; ESP Exome Variant Server 0.00008.
gnomAD v4.1: 95 of 1,574,406 alleles (0.006%); highest among the groups gnomAD compares: Non-Finnish European, 0.0076%; no homozygotes.

Submissions (2):

Labcorp Genetics (formerly Invitae), Labcorp
Classification: Likely benign. Last evaluated: 2024-08-28. Review status: criteria provided, single submitter. Criteria: Invitae Variant Classification Sherloc (09022015). Collection method: clinical testing. Allele origin: germline.

PreventionGenetics, part of Exact Sciences
Classification: Likely benign for BCL11B-related condition. Last evaluated: 2023-09-04. Review status: no assertion criteria provided. Collection method: clinical testing. Allele origin: germline. Not counted in ClinVar's aggregate classification.
Comment: This variant is classified as likely benign based on ACMG/AMP sequence variant interpretation guidelines (Richards et al. 2015 PMID: 25741868, with internal and published modifications).